The following is an entry in ClinVar:

NM_000081.4(LYST):c.2806C>A (p.Pro936Thr)

Gene: LYST (lysosomal trafficking regulator; minus strand). Cytogenetic location: 1q42.3.
Variant type: single nucleotide variant.
Coding change: c.2806C>A on transcript NM_000081.4 (MANE Select); coding-DNA position 2806, C replaced by A.
Protein change: p.Pro936Thr; replaces proline 936 with threonine.
Molecular consequence: missense variant.
Genome position (GRCh38, 1-based): chr1:235,806,330, G>T on the plus strand (C>A on the coding strand, the complement: LYST is on the minus strand). VCF-style: chr1-235806330-G-T. GRCh37 (hg19) VCF-style: chr1-235969630-G-T.
Other names: c.2806C>A, p.Pro936Thr (NM_001301365.1); short protein forms P936T.
Identifiers: ClinVar variation 296414 (VCV000296414.11), dbSNP rs750810868, ClinGen allele CA1467208.

ClinVar aggregate classification (germline): Uncertain significance. Review status: criteria provided, multiple submitters, no conflicts (2 of 4 stars). 2 submissions from 2 submitters: Uncertain significance (2). Last evaluated 2022-03-28.

Conditions:
Chédiak-Higashi syndrome (CHS). Also called: Chediak-Higashi Syndrome. Identifiers: Orphanet 167, MedGen C0007965, MONDO:0008963, OMIM 214500.

Allele frequency attached by ClinVar (database versions not stated): gnomAD 0.00001; ExAC 0.00002.
gnomAD v4.1: 51 of 1,613,816 alleles (0.0032%); highest among the groups gnomAD compares: Non-Finnish European, 0.0043%; no homozygotes.

Submissions (2):

Labcorp Genetics (formerly Invitae), Labcorp
Classification: Uncertain significance for Chédiak-Higashi syndrome. Last evaluated: 2022-03-28. Review status: criteria provided, single submitter. Criteria: Invitae Variant Classification Sherloc (09022015). Collection method: clinical testing. Allele origin: germline.
Comment: This sequence change replaces proline, which is neutral and non-polar, with threonine, which is neutral and polar, at codon 936 of the LYST protein (p.Pro936Thr). This variant is present in population databases (rs750810868, gnomAD 0.002%). This variant has not been reported in the literature in individuals affected with LYST-related conditions. ClinVar contains an entry for this variant (Variation ID: 296414). Algorithms developed to predict the effect of missense changes on protein structure and function are either unavailable or do not agree on the potential impact of this missense change (SIFT: "Deleterious"; PolyPhen-2: "Probably Damaging"; Align-GVGD: "Class C0"). In summary, the available evidence is currently insufficient to determine the role of this variant in disease. Therefore, it has been classified as a Variant of Uncertain Significance.

Illumina Laboratory Services, Illumina
Classification: Uncertain significance for Chédiak-Higashi syndrome. Last evaluated: 2018-01-13. Review status: criteria provided, single submitter. Criteria: ICSL Variant Classification Criteria 13 December 2019. Collection method: clinical testing. Allele origin: germline.